The following is an entry in ClinVar:

NM_001164277.2(SLC37A4):c.1249A>C (p.Ile417Leu)

Gene: SLC37A4 (solute carrier family 37 member 4; minus strand). Cytogenetic location: 11q23.3.
Variant type: single nucleotide variant.
Coding change: c.1249A>C on transcript NM_001164277.2 (MANE Select); coding-DNA position 1249, A replaced by C.
Protein change: p.Ile417Leu; replaces isoleucine 417 with leucine.
Molecular consequence: missense variant.
Genome position (GRCh38, 1-based): chr11:119,024,951, T>G on the plus strand (A>C on the coding strand, the complement: SLC37A4 is on the minus strand). VCF-style: chr11-119024951-T-G. GRCh37 (hg19) VCF-style: chr11-118895661-T-G.
Other names: c.1315A>C, p.Ile439Leu (NM_001164278.2); c.1030A>C, p.Ile344Leu (NM_001164279.2); c.1249A>C, p.Ile417Leu (NM_001164280.2, NM_001467.6); short protein forms I344L, I439L, I417L.
Identifiers: ClinVar variation 5004864 (VCV005004864.1).
Genomic context (GRCh38, chr11:119,024,951, plus strand): 5'-TCCGGAACCTGGACTCTCTTCACTCAGCCTTCTTGGACACTCGGCCCATCTTGGTGCGGA[T>G]GTTTCGTAGGAGGAAGAAGGCAGCCGTGCTGGCCGCACAAATCACTTCAGCCACCCAGAA-3'
Protein context (NP_001157749.1, residues 407-427): STAAFFLLRN[Ile417Leu]RTKMGRVSKK

ClinVar aggregate classification (germline): Uncertain significance (1 of 4 stars; one submission).

Conditions:
Glycogen storage disease, type I. Identifiers: Orphanet 364, MedGen C0017920, MONDO:0002413.

Submission:

Myriad Genetics, Inc.
Classification: Uncertain significance for Glycogen storage disease, type I. Last evaluated: 2026-08-20. Review status: criteria provided, single submitter. Criteria: Myriad Autosomal Dominant, Autosomal Recessive and X-Linked Classification Criteria (2023). Collection method: clinical testing. Allele origin: unknown.
Comment: NM_001164277.1(SLC37A4):c.1249A>C(I417L) is a missense variant classified as a variant of uncertain significance in the context of glycogen storage disease type Ib. I417L has not been observed in cases with relevant disease. Relevant functional assessments of this variant are not available in the literature. I417L has not been observed in referenced population frequency databases. In summary, there is insufficient evidence to classify NM_001164277.1(SLC37A4):c.1249A>C(I417L) as pathogenic or benign. Please note: this variant was assessed in the context of healthy population screening.